The following is an entry in ClinVar:

NM_004393.6(DAG1):c.259A>G (p.Ile87Val)

Gene: DAG1 (dystroglycan 1; plus strand). Cytogenetic location: 3p21.31.
Variant type: single nucleotide variant.
Coding change: c.259A>G on transcript NM_004393.6 (MANE Select); coding-DNA position 259, A replaced by G.
Protein change: p.Ile87Val; replaces isoleucine 87 with valine.
Molecular consequence: missense variant.
Genome position (GRCh38, 1-based): chr3:49,510,793, A>G. VCF-style: chr3-49510793-A-G. GRCh37 (hg19) VCF-style: chr3-49548226-A-G.
Other names: c.259A>G, p.Ile87Val (NM_001165928.4, NM_001177634.3, NM_001177635.3 and 9 more transcripts); short protein forms I87V.
Identifiers: ClinVar variation 128884 (VCV000128884.24), dbSNP rs116717961, ClinGen allele CA152548.

ClinVar aggregate classification (germline): Benign/Likely benign. Review status: criteria provided, multiple submitters, no conflicts (2 of 4 stars). 9 submissions from 9 submitters: Benign (4); Likely benign (3). 2 of the submissions do not count toward it. Last evaluated 2026-02-03.

Conditions:
DAG1-related disorder. Also called: DAG1-related condition.
Autosomal recessive limb-girdle muscular dystrophy type 2P. Also called: MUSCULAR DYSTROPHY-DYSTROGLYCANOPATHY, LIMB-GIRDLE, DAG1-RELATED; MUSCULAR DYSTROPHY, LIMB-GIRDLE, TYPE 2P; Limb-Girdle Muscular Dystrophy Type 9C. Identifiers: Orphanet 280333, MedGen C4511963, MONDO:0013440, OMIM 613818.
Muscular dystrophy-dystroglycanopathy (congenital with brain and eye anomalies), type A9. Also called: Muscular dystrophy-dystroglycanopathy (congenital with brain and eye anomalies), type a, 9; WALKER-WARBURG SYNDROME OR MUSCLE-EYE BRAIN DISEASE, DAG1-RELATED. Identifiers: Orphanet 370997, Orphanet 899, MedGen C4225291, MONDO:0014683, OMIM 616538.

Allele frequency attached by ClinVar (database versions not stated): 1000 Genomes Project 0.00559; gnomAD 0.00640; 1000 Genomes Project 30x 0.00671; ExAC 0.00725; gnomAD exomes 0.00809 and 0.01076; ESP Exome Variant Server 0.00823; TOPMed 0.00922.
gnomAD v4.1: 16,846 of 1,614,076 alleles (1%); highest among the groups gnomAD compares: Admixed American, 1.7%; 113 homozygotes.

Submissions (9):

Labcorp Genetics (formerly Invitae), Labcorp
Classification: Benign for Autosomal recessive limb-girdle muscular dystrophy type 2P; Muscular dystrophy-dystroglycanopathy (congenital with brain and eye anomalies), type A9. Last evaluated: 2026-02-03. Review status: criteria provided, single submitter. Criteria: Invitae Variant Classification Sherloc (09022015). Collection method: clinical testing. Allele origin: germline.

Blueprint Genetics
Classification: Likely benign. Last evaluated: 2024-11-15. Review status: criteria provided, single submitter. Criteria: ACMG Guidelines, 2015. Collection method: clinical testing. Allele origin: germline.

Mayo Clinic Laboratories, Mayo Clinic
Classification: Benign. Last evaluated: 2018-03-09. Review status: criteria provided, single submitter. Criteria: ACMG Guidelines, 2015. Collection method: clinical testing. Allele origin: germline. Observed: 15 variant alleles.

Athena Diagnostics
Classification: Benign. Last evaluated: 2018-02-06. Review status: criteria provided, single submitter. Criteria: Athena Diagnostics Criteria. Collection method: clinical testing. Allele origin: germline.

Center for Pediatric Genomic Medicine, Children's Mercy Hospital and Clinics
Classification: Likely benign. Last evaluated: 2017-09-12. Review status: criteria provided, single submitter. Criteria: ACMG Guidelines, 2015. Collection method: clinical testing. Allele origin: germline.

GeneDx
Classification: Benign. Last evaluated: 2016-02-17. Review status: criteria provided, single submitter. Criteria: GeneDx Variant Classification (06012015). Collection method: clinical testing. Allele origin: germline. Affected: yes.
Comment: This variant is considered likely benign or benign based on one or more of the following criteria: it is a conservative change, it occurs at a poorly conserved position in the protein, it is predicted to be benign by multiple in silico algorithms, and/or has population frequency not consistent with disease.

Breakthrough Genomics
Classification: Likely benign. Review status: criteria provided, single submitter. Criteria: ACMG Guidelines, 2015. Collection method: not provided. Allele origin: germline. Inheritance: Autosomal recessive inheritance. Affected: yes.

PreventionGenetics, part of Exact Sciences
Classification: Benign for DAG1-related condition. Last evaluated: 2020-10-27. Review status: no assertion criteria provided. Collection method: clinical testing. Allele origin: germline. Not counted in ClinVar's aggregate classification.
Comment: This variant is classified as benign based on ACMG/AMP sequence variant interpretation guidelines (Richards et al. 2015 PMID: 25741868, with internal and published modifications).

Genetic Services Laboratory, University of Chicago
Classification: Likely benign for AllHighlyPenetrant. Review status: no assertion criteria provided. Collection method: clinical testing. Allele origin: germline. Inheritance: Autosomal recessive inheritance. Not counted in ClinVar's aggregate classification.
Comment: Likely benign based on allele frequency in 1000 Genomes Project or ESP global frequency and its presence in a patient with a rare or unrelated disease phenotype. NOT Sanger confirmed.

Literature cited by the submitters: PubMed 25671699 (cited by Athena Diagnostics).